The following is an entry in ClinVar:

ClinVar aggregate classification (germline): Uncertain significance (1 of 4 stars; one submission).

Conditions:
Progressive encephalopathy with leukodystrophy due to DECR deficiency. Identifiers: Orphanet 431361, MedGen C1857252, MONDO:0014464, OMIM 616034.

gnomAD v4.1: 3 of 1,612,394 alleles (0.00019%); highest among the groups gnomAD compares: African/African-American, 0.004%; no homozygotes.

Submission:

3billion
Classification: Uncertain significance for Progressive encephalopathy with leukodystrophy due to DECR deficiency. Last evaluated: 2025-11-14. Review status: criteria provided, single submitter. Criteria: ACMG Guidelines, 2015. Collection method: clinical testing. Allele origin: germline. Affected: yes.
Comment: The variant is observed at an extremely low frequency in the gnomAD v4.1.0 dataset (total allele frequency: <0.001%). Predicted Consequence/Location: Missense variant. The majority of the known disease-causing variants of this gene are variants expected to result in premature termination of the protein. In silico tool predictions suggest damaging effect of the variant on gene or gene product [REVEL: 0.63 (>=0.6, sensitivity 0.68 and specificity 0.92)]. Therefore, this variant is classified as VUS according to the recommendation of ACMG/AMP guideline.

NM_001085411.3(NADK2):c.857C>G (p.Ser286Cys)

Gene: NADK2 (NAD kinase 2, mitochondrial; minus strand). Cytogenetic location: 5p13.2.
Variant type: single nucleotide variant.
Coding change: c.857C>G on transcript NM_001085411.3 (MANE Select); coding-DNA position 857, C replaced by G.
Protein change: p.Ser286Cys; replaces serine 286 with cysteine.
Molecular consequence: missense variant.
Genome position (GRCh38, 1-based): chr5:36,211,847, G>C on the plus strand (C>G on the coding strand, the complement: NADK2 is on the minus strand). VCF-style: chr5-36211847-G-C. GRCh37 (hg19) VCF-style: chr5-36211949-G-C.
Other names: c.368C>G, p.Ser123Cys (NM_001287340.2, NM_001287341.2, NM_153013.5); short protein forms S123C, S286C.
Identifiers: ClinVar variation 4854484 (VCV004854484.1).